The following is an entry in ClinVar:

NM_001110556.2(FLNA):c.5417-2A>G

Gene: FLNA (filamin A; minus strand). Cytogenetic location: Xq28.
Variant type: single nucleotide variant.
Coding change: c.5417-2A>G on transcript NM_001110556.2 (MANE Select); the canonical splice acceptor site of the intron before coding-DNA position 5417, A replaced by G.
Molecular consequence: splice acceptor variant.
Genome position (GRCh38, 1-based): chrX:154,354,293, T>C on the plus strand (A>G on the coding strand, the complement: FLNA is on the minus strand). VCF-style: chrX-154354293-T-C. GRCh37 (hg19) VCF-style: chrX-153582661-T-C.
Other names: c.5393-2A>G (NM_001456.4).
Identifiers: ClinVar variation 2921986 (VCV002921986.9), dbSNP rs2522726645, ClinGen allele CA415204821.

ClinVar aggregate classification (germline): Likely pathogenic. Review status: criteria provided, multiple submitters, no conflicts (2 of 4 stars). 2 submissions from 2 submitters: Likely pathogenic (2). Last evaluated 2025-11-01.

Conditions:
Heterotopia, periventricular, X-linked dominant (PVNH1). Also called: PERIVENTRICULAR NODULAR HETEROTOPIA 4; HETEROTOPIA, PERIVENTRICULAR, 1; PERIVENTRICULAR NODULAR HETEROTOPIA 1; X-linked periventricular heterotopia. Identifiers: Orphanet 2149, Orphanet 82004, MedGen C1848213, MONDO:0010233, OMIM 300049.
Oto-palato-digital syndrome, type II (OPD2). Also called: Otopalatodigital Syndrome Type 2 (FLNA-OPD2); FACIOPALATOOSSEOUS SYNDROME; OPD II SYNDROME; Otopalatodigital Syndrome, Type II. Identifiers: Orphanet 669, Orphanet 90652, MedGen C1844696, MONDO:0010571, OMIM 304120.
Melnick-Needles syndrome (MNS). Also called: Melnick-Needles Syndrome (FLNA-MNS); MELNICK-NEEDLES OSTEODYSPLASTY; OSTEODYSPLASTY OF MELNICK AND NEEDLES. Identifiers: Orphanet 2484, MedGen C0025237, MONDO:0010650, OMIM 309350.
Frontometaphyseal dysplasia (FMD1). Identifiers: Orphanet 1826, MedGen C0265293, MONDO:0015942.

Submissions (2):

CeGaT Center for Human Genetics Tuebingen
Classification: Likely pathogenic. Last evaluated: 2025-11-01. Review status: criteria provided, single submitter. Criteria: CeGaT Center For Human Genetics Tuebingen Variant Classification Criteria Version 2. Collection method: clinical testing. Allele origin: germline. Affected: yes. Observed: 1 variant allele.
Comment: FLNA: PVS1:Strong, PM2

Labcorp Genetics (formerly Invitae), Labcorp
Classification: Likely pathogenic for Oto-palato-digital syndrome, type II; Heterotopia, periventricular, X-linked dominant; Frontometaphyseal dysplasia; Melnick-Needles syndrome. Last evaluated: 2024-01-05. Review status: criteria provided, single submitter. Criteria: Invitae Variant Classification Sherloc (09022015). Collection method: clinical testing. Allele origin: germline.
Comment: This sequence change affects an acceptor splice site in intron 32 of the FLNA gene. It is expected to disrupt RNA splicing. Variants that disrupt the donor or acceptor splice site typically lead to a loss of protein function (PMID: 16199547), and loss-of-function variants in FLNA are known to be pathogenic (PMID: 16684786, 20730588, 26471271). This variant is not present in population databases (gnomAD no frequency). This variant has not been reported in the literature in individuals affected with FLNA-related conditions. Algorithms developed to predict the effect of sequence changes on RNA splicing suggest that this variant may disrupt the consensus splice site. In summary, the currently available evidence indicates that the variant is pathogenic, but additional data are needed to prove that conclusively. Therefore, this variant has been classified as Likely Pathogenic.

Literature cited by the submitters: PubMed 16199547 (cited by Labcorp Genetics (formerly Invitae), Labcorp); PubMed 16684786 (cited by Labcorp Genetics (formerly Invitae), Labcorp); PubMed 20730588 (cited by Labcorp Genetics (formerly Invitae), Labcorp); PubMed 26471271 (cited by Labcorp Genetics (formerly Invitae), Labcorp).